The following is an entry in ClinVar:

ClinVar aggregate classification (germline): Uncertain significance. Review status: criteria provided, multiple submitters, no conflicts (2 of 4 stars). 2 submissions from 2 submitters: Uncertain significance (2). Last evaluated 2026-03-18.

Conditions:
Generalized epilepsy with febrile seizures plus, type 7 (GEFSP7). Also called: GEFS+, TYPE 7. Identifiers: Orphanet 36387, MedGen C2751778, MONDO:0013470, OMIM 613863.
Neuropathy, hereditary sensory and autonomic, type 2A (HSAN2A). Also called: ACROOSTEOLYSIS, GIACCAI TYPE; ACROOSTEOLYSIS, NEUROGENIC; WNK1-Related HSAN2 (HSAN2A); HSAN IIA; MORVAN DISEASE; NEUROPATHY, CONGENITAL SENSORY. Identifiers: Orphanet 970, MedGen C2752089, MONDO:0024309, OMIM 201300.

Allele frequency attached by ClinVar (database versions not stated): ExAC 0.00003; gnomAD exomes 0.00006; gnomAD 0.00008 and 0.00009; TOPMed 0.00011.
gnomAD v4.1: 141 of 1,608,710 alleles (0.0088%); highest among the groups gnomAD compares: Admixed American, 0.027%; no homozygotes.

Submissions (2):

Women's Health and Genetics/Laboratory Corporation of America, LabCorp
Classification: Uncertain significance. Last evaluated: 2026-03-18. Review status: criteria provided, single submitter. Criteria: LabCorp Variant Classification Summary - May 2015. Collection method: clinical testing. Allele origin: germline.
Comment: Variant summary: SCN9A c.4172T>C (p.Val1391Ala) results in a non-conservative amino acid change located in the Ion transport protein domain (IPR005821) of the encoded protein sequence. Algorithms developed to predict the effect of missense changes on protein structure and function all suggest that this variant is likely to be disruptive. Consensus agreement among computation tools predict no significant impact on normal splicing. However, these predictions have yet to be confirmed by functional studies. The variant allele was found at a frequency of 6.5e-05 in 246156 control chromosomes. This frequency is not significantly higher than estimated for disease-causing variants in SCN9A, allowing no conclusion about variant significance. To our knowledge, no occurrence of c.4172T>C in individuals affected with SCN9A-related conditions and no experimental evidence demonstrating its impact on protein function have been reported. ClinVar contains an entry for this variant (Variation ID: 408582). Based on the evidence outlined above, the variant was classified as uncertain significance.

Labcorp Genetics (formerly Invitae), Labcorp
Classification: Uncertain significance for Neuropathy, hereditary sensory and autonomic, type 2A; Generalized epilepsy with febrile seizures plus, type 7. Last evaluated: 2025-10-10. Review status: criteria provided, single submitter. Criteria: Invitae Variant Classification Sherloc (09022015). Collection method: clinical testing. Allele origin: germline.
Comment: This sequence change replaces valine, which is neutral and non-polar, with alanine, which is neutral and non-polar, at codon 1391 of the SCN9A protein (p.Val1391Ala). This variant is present in population databases (rs200266532, gnomAD 0.02%). This variant has not been reported in the literature in individuals affected with SCN9A-related conditions. ClinVar contains an entry for this variant (Variation ID: 408582). An algorithm developed to predict the effect of missense changes on protein structure and function (PolyPhen-2) suggests that this variant is likely to be disruptive. In summary, the available evidence is currently insufficient to determine the role of this variant in disease. Therefore, it has been classified as a Variant of Uncertain Significance.

NM_001365536.1(SCN9A):c.4205T>C (p.Val1402Ala)

Genes: SCN1A-AS1 (SCN1A and SCN9A antisense RNA 1; plus strand), SCN9A (sodium voltage-gated channel alpha subunit 9; minus strand). Cytogenetic location: 2q24.3.
Variant type: single nucleotide variant.
Coding change: c.4205T>C on transcript NM_001365536.1 (MANE Select); coding-DNA position 4205, T replaced by C.
Protein change: p.Val1402Ala; replaces valine 1402 with alanine.
Molecular consequence: missense variant.
Genome position (GRCh38, 1-based): chr2:166,228,692, A>G on the plus strand (T>C on the coding strand, the complement: SCN9A is on the minus strand). VCF-style: chr2-166228692-A-G. GRCh37 (hg19) VCF-style: chr2-167085202-A-G.
Other names: c.4172T>C, p.Val1391Ala (NM_002977.4); short protein forms V1391A, V1402A.
Identifiers: ClinVar variation 408582 (VCV000408582.14), dbSNP rs200266532, ClinGen allele CA1943933.